The following is an entry in ClinVar:

ClinVar aggregate classification (germline): Pathogenic/Likely pathogenic. Review status: criteria provided, multiple submitters, no conflicts (2 of 4 stars). 5 submissions from 5 submitters: Pathogenic (2); Likely pathogenic (2). 1 of the submissions does not count toward it. Last evaluated 2024-06-17.

Conditions:
Achondrogenesis, type IB (ACG1B). Also called: Achondrogenesis Type 1B. Identifiers: Orphanet 932, Orphanet 93298, MedGen C0265274, MONDO:0010966, OMIM 600972.
Multiple epiphyseal dysplasia type 4 (EDM4). Also called: MULTIPLE EPIPHYSEAL DYSPLASIA, AUTOSOMAL RECESSIVE; MULTIPLE EPIPHYSEAL DYSPLASIA WITH BILAYERED PATELLAE; MULTIPLE EPIPHYSEAL DYSPLASIA WITH CLUBFOOT; Multiple Epiphyseal Dysplasia, Recessive; SLC26A2-Related Multiple Epiphyseal Dysplasia. Identifiers: Orphanet 93307, MedGen C1847593, MONDO:0009189, OMIM 226900.
Atelosteogenesis type II (AO2). Also called: NEONATAL OSSEOUS DYSPLASIA I; SLC26A2-Related Atelosteogenesis; Neonatal osseous dysplasia 1. Identifiers: Orphanet 56304, MedGen C1850554, MONDO:0009727, OMIM 256050.
Diastrophic dysplasia (DTD). Also called: Diastrophic dwarfism. Identifiers: Orphanet 628, MedGen C0220726, MONDO:0009107, OMIM 222600.
Sulfate transporter-related osteochondrodysplasia. Also called: DTDST-related dysplasias. Identifiers: MedGen CN120497. Disease mechanism: loss of function.

Allele frequency attached by ClinVar (database versions not stated): gnomAD exomes 0.00001.
gnomAD v4.1: 9 of 1,614,132 alleles (0.00056%); highest among the groups gnomAD compares: Non-Finnish European, 0.00068%; no homozygotes.

Submissions (5):

Fulgent Genetics
Classification: Pathogenic for Diastrophic dysplasia; Multiple epiphyseal dysplasia type 4; Atelosteogenesis type II; Achondrogenesis, type IB. Last evaluated: 2024-06-17. Review status: criteria provided, single submitter. Criteria: ACMG Guidelines, 2015. Collection method: clinical testing. Allele origin: germline.

Baylor Genetics
Classification: Likely pathogenic for Achondrogenesis, type IB. Last evaluated: 2024-03-30. Review status: criteria provided, single submitter. Criteria: ACMG Guidelines, 2015. Collection method: clinical testing. Allele origin: unknown.

Labcorp Genetics (formerly Invitae), Labcorp
Classification: Pathogenic for Atelosteogenesis type II; Multiple epiphyseal dysplasia type 4; Achondrogenesis, type IB; Diastrophic dysplasia. Last evaluated: 2023-06-27. Review status: criteria provided, single submitter. Criteria: Invitae Variant Classification Sherloc (09022015). Collection method: clinical testing. Allele origin: germline.
Comment: For these reasons, this variant has been classified as Pathogenic. ClinVar contains an entry for this variant (Variation ID: 56026). This variant is also known as 82G>T G19X. This premature translational stop signal has been observed in individual(s) with diastrophic dysplasia (PMID: 11241838). This variant is not present in population databases (gnomAD no frequency). This sequence change creates a premature translational stop signal (p.Gly19*) in the SLC26A2 gene. It is expected to result in an absent or disrupted protein product. Loss-of-function variants in SLC26A2 are known to be pathogenic (PMID: 7923357, 10482955, 11241838).

Women's Health and Genetics/Laboratory Corporation of America, LabCorp
Classification: Likely pathogenic for Osteochondrodysplasia. Last evaluated: 2018-08-27. Review status: criteria provided, single submitter. Criteria: LabCorp Variant Classification Summary - May 2015. Collection method: clinical testing. Allele origin: germline.
Comment: Variant summary: SLC26A2 c.55G>T (p.Gly19X) results in a premature termination codon, predicted to cause a truncation of the encoded protein or absence of the protein due to nonsense mediated decay, which are commonly known mechanisms for disease. Truncations downstream of this position have been classified as pathogenic by our laboratory (eg. c.532C>T, p.Arg178X and c.1724delA, p.Lys575fsX10; ). The variant was absent in 31182 control chromosomes (gnomAD and publication). The variant, c.55G>T, has been reported in the literature in only one individual affected with diastrophic dysplasia (Rossi_2001). This report does not provide unequivocal conclusions about association of the variant with Sulfate Transporter-Related Osteochondrodysplasia. To our knowledge, no experimental evidence demonstrating an impact on protein function has been reported. No clinical diagnostic laboratories have submitted clinical-significance assessments for this variant to ClinVar after 2014. Based on the evidence outlined above, the variant was classified as likely pathogenic.

Juha Muilu Group; Institute for Molecular Medicine Finland (FIMM)
Classification: Likely pathogenic for Diastrophic dysplasia. Review status: no assertion criteria provided. Collection method: not provided. Allele origin: unknown. Not counted in ClinVar's aggregate classification.
Comment: FinDis database variant: This variant was not found or characterized by our laboratory, data were collected from public sources: see reference
ClinVar note: Converted during submission from probable-pathogenic to Likely pathogenic.

Literature cited by the submitters: PubMed 11241838 (cited by Labcorp Genetics (formerly Invitae), Labcorp and Women's Health and Genetics/Laboratory Corporation of America, LabCorp); PubMed 7923357 (cited by Labcorp Genetics (formerly Invitae), Labcorp); PubMed 10482955 (cited by Labcorp Genetics (formerly Invitae), Labcorp).

NM_000112.4(SLC26A2):c.55G>T (p.Gly19Ter)

Gene: SLC26A2 (solute carrier family 26 member 2; plus strand). Cytogenetic location: 5q32.
Variant type: single nucleotide variant.
Coding change: c.55G>T on transcript NM_000112.4 (MANE Select); coding-DNA position 55, G replaced by T.
Protein change: p.Gly19Ter; replaces glycine 19 with a stop codon.
Molecular consequence: nonsense.
Genome position (GRCh38, 1-based): chr5:149,977,707, G>T. VCF-style: chr5-149977707-G-T. GRCh37 (hg19) VCF-style: chr5-149357270-G-T.
Other names: short protein forms G19*.
Identifiers: ClinVar variation 56026 (VCV000056026.11), dbSNP rs386833507, ClinGen allele CA263272.